The following is an entry in ClinVar:

NM_001127649.3(PEX26):c.854A>G (p.Gln285Arg)

Gene: PEX26 (peroxisomal biogenesis factor 26; plus strand). Cytogenetic location: 22q11.21.
Variant type: single nucleotide variant.
Coding change: c.854A>G on transcript NM_001127649.3 (MANE Select); coding-DNA position 854, A replaced by G.
Protein change: p.Gln285Arg; replaces glutamine 285 with arginine.
Molecular consequence: missense variant.
Genome position (GRCh38, 1-based): chr22:18,088,011, A>G. VCF-style: chr22-18088011-A-G. GRCh37 (hg19) VCF-style: chr22-18570777-A-G.
Other names: c.707A>G, p.Gln236Arg (NM_001199319.2); c.854A>G, p.Gln285Arg (NM_017929.6); c.854A>G (NM_017929.5); short protein forms Q285R, Q236R.
Identifiers: ClinVar variation 597917 (VCV000597917.13), dbSNP rs767603690, ClinGen allele CA10093434.

ClinVar aggregate classification (germline): Uncertain significance. Review status: criteria provided, multiple submitters, no conflicts (2 of 4 stars). 3 submissions from 3 submitters: Uncertain significance (3). Last evaluated 2025-09-10.

Conditions:
Inborn genetic diseases. Identifiers: MedGen C0950123, MeSH D030342.
Peroxisome biogenesis disorder 7A (Zellweger). Also called: Peroxisome biogenesis disorder 7A. Identifiers: Orphanet 912, MedGen C3888385, MONDO:0013938, OMIM 614872.
Peroxisome biogenesis disorder 7B (PBD7B). Identifiers: Orphanet 44, MedGen C3553951, MONDO:0013939, OMIM 614873.

Allele frequency attached by ClinVar (database versions not stated): ExAC 0.00001; gnomAD 0.00001; gnomAD exomes 0.00001 and 0.00002; TOPMed below 0.00001.

Submissions (3):

Ambry Genetics
Classification: Uncertain significance for Inborn genetic diseases. Last evaluated: 2025-09-10. Review status: criteria provided, single submitter. Criteria: Ambry Variant Classification Scheme 2023. Collection method: clinical testing. Allele origin: germline.

Labcorp Genetics (formerly Invitae), Labcorp
Classification: Uncertain significance for Peroxisome biogenesis disorder 7A (Zellweger); Peroxisome biogenesis disorder 7B. Last evaluated: 2024-10-28. Review status: criteria provided, single submitter. Criteria: Invitae Variant Classification Sherloc (09022015). Collection method: clinical testing. Allele origin: germline.
Comment: This sequence change replaces glutamine, which is neutral and polar, with arginine, which is basic and polar, at codon 285 of the PEX26 protein (p.Gln285Arg). This variant is present in population databases (rs767603690, gnomAD 0.002%). This variant has not been reported in the literature in individuals affected with PEX26-related conditions. ClinVar contains an entry for this variant (Variation ID: 597917). Invitae Evidence Modeling of protein sequence and biophysical properties (such as structural, functional, and spatial information, amino acid conservation, physicochemical variation, residue mobility, and thermodynamic stability) indicates that this missense variant is not expected to disrupt PEX26 protein function with a negative predictive value of 95%. In summary, the available evidence is currently insufficient to determine the role of this variant in disease. Therefore, it has been classified as a Variant of Uncertain Significance.

Eurofins Ntd Llc (ga)
Classification: Uncertain significance. Last evaluated: 2018-07-05. Review status: criteria provided, single submitter. Criteria: EGL ClinVar v180209 classification definitions. Collection method: clinical testing. Allele origin: germline. Observed: 1 variant allele, 1 heterozygote.